The following is an entry in ClinVar:

NM_006904.7(PRKDC):c.632C>G (p.Ala211Gly)

Gene: PRKDC (protein kinase, DNA-activated, catalytic subunit; minus strand). Cytogenetic location: 8q11.21.
Variant type: single nucleotide variant.
Coding change: c.632C>G on transcript NM_006904.7 (MANE Select); coding-DNA position 632, C replaced by G.
Protein change: p.Ala211Gly; replaces alanine 211 with glycine.
Molecular consequence: missense variant.
Genome position (GRCh38, 1-based): chr8:47,953,709, G>C on the plus strand (C>G on the coding strand, the complement: PRKDC is on the minus strand). VCF-style: chr8-47953709-G-C. GRCh37 (hg19) VCF-style: chr8-48866269-G-C.
Other names: c.632C>G, p.Ala211Gly (NM_001081640.2); short protein forms A211G.
Identifiers: ClinVar variation 1752887 (VCV001752887.2), dbSNP rs2090660737, ClinGen allele CA371138606.

ClinVar aggregate classification (germline): Uncertain significance (1 of 4 stars; one submission).

Submission:

Ambry Genetics
Classification: Uncertain significance. Last evaluated: 2021-12-08. Review status: criteria provided, single submitter. Criteria: Ambry Variant Classification Scheme 2023. Collection method: clinical testing. Allele origin: germline.
Comment: The p.A211G variant (also known as c.632C>G), located in coding exon 7 of the PRKDC gene, results from a C to G substitution at nucleotide position 632. The alanine at codon 211 is replaced by glycine, an amino acid with similar properties. This amino acid position is conserved. In addition, this alteration is predicted to be tolerated by in silico analysis. Since supporting evidence is limited at this time, the clinical significance of this alteration remains unclear.